The following is an entry in ClinVar:

ClinVar aggregate classification (germline): Uncertain significance. Review status: criteria provided, multiple submitters, no conflicts (2 of 4 stars). 2 submissions from 2 submitters: Uncertain significance (2). Last evaluated 2023-06-29.

Conditions:
Inborn genetic diseases. Identifiers: MedGen C0950123, MeSH D030342.

Allele frequency attached by ClinVar (database versions not stated): TOPMed below 0.00001; gnomAD 0.00001.
gnomAD v4.1: 16 of 1,611,700 alleles (0.00099%); highest among the groups gnomAD compares: Admixed American, 0.0033%; no homozygotes.

Submissions (2):

Ambry Genetics
Classification: Uncertain significance for Inborn genetic diseases. Last evaluated: 2023-06-29. Review status: criteria provided, single submitter. Criteria: Ambry Variant Classification Scheme 2023. Collection method: clinical testing. Allele origin: germline.

Labcorp Genetics (formerly Invitae), Labcorp
Classification: Uncertain significance. Last evaluated: 2022-02-10. Review status: criteria provided, single submitter. Criteria: Invitae Variant Classification Sherloc (09022015). Collection method: clinical testing. Allele origin: germline.
Comment: This variant is not present in population databases (gnomAD no frequency). In summary, the available evidence is currently insufficient to determine the role of this variant in disease. Therefore, it has been classified as a Variant of Uncertain Significance. Advanced modeling of protein sequence and biophysical properties (such as structural, functional, and spatial information, amino acid conservation, physicochemical variation, residue mobility, and thermodynamic stability) performed at Invitae indicates that this missense variant is not expected to disrupt SI protein function. ClinVar contains an entry for this variant (Variation ID: 1041157). This variant has not been reported in the literature in individuals affected with SI-related conditions. This sequence change replaces threonine, which is neutral and polar, with methionine, which is neutral and non-polar, at codon 188 of the SI protein (p.Thr188Met).

NM_001041.4(SI):c.563C>T (p.Thr188Met)

Gene: SI (sucrase-isomaltase; minus strand). Cytogenetic location: 3q26.1.
Variant type: single nucleotide variant.
Coding change: c.563C>T on transcript NM_001041.4 (MANE Select); coding-DNA position 563, C replaced by T.
Protein change: p.Thr188Met; replaces threonine 188 with methionine.
Molecular consequence: missense variant.
Genome position (GRCh38, 1-based): chr3:165,067,412, G>A on the plus strand (C>T on the coding strand, the complement: SI is on the minus strand). VCF-style: chr3-165067412-G-A. GRCh37 (hg19) VCF-style: chr3-164785200-G-A.
Other names: c.563C>T (NM_001041.3); short protein forms T188M.
Identifiers: ClinVar variation 1041157 (VCV001041157.11), dbSNP rs1714300907, ClinGen allele CA355034397.